The following is an entry in ClinVar:

ClinVar aggregate classification (germline): Pathogenic (1 of 4 stars; one submission).

Conditions:
Duchenne muscular dystrophy (DMD). Also called: Duchenne Muscular Dystrophy (DMD); MUSCULAR DYSTROPHY, PSEUDOHYPERTROPHIC PROGRESSIVE, DUCHENNE TYPE. Identifiers: Orphanet 98896, MedGen C0013264, MONDO:0010679, OMIM 310200.

Submission:

Labcorp Genetics (formerly Invitae), Labcorp
Classification: Pathogenic for Duchenne muscular dystrophy. Last evaluated: 2021-04-26. Review status: criteria provided, single submitter. Criteria: Invitae Variant Classification Sherloc (09022015). Collection method: clinical testing. Allele origin: germline.
Comment: For these reasons, this variant has been classified as Pathogenic. This variant has been observed in individual(s) with clinical features of DMD-related conditions (PMID: 14514278, 18663755). This variant is a gross deletion of the genomic region encompassing exon(s) 17-19 of the DMD gene. This deletion is out-of-frame, and is expected to create a premature translational stop signal and result in an absent or disrupted protein product. Loss-of-function variants in DMD are known to be pathogenic (PMID: 16770791, 25007885).

Literature cited by the submitters: PubMed 14514278; PubMed 18663755; PubMed 16770791; PubMed 25007885.

NC_000023.10:g.(?_32519852)_(32563471_?)del

Gene: DMD (dystrophin; minus strand). Cytogenetic location: Xp21.1.
Variant type: Deletion.
Identifiers: ClinVar variation 1455792 (VCV001455792.7).